The following is an entry in ClinVar:

ClinVar aggregate classification (germline): Uncertain significance (1 of 4 stars; one submission).

Conditions:
Myopathy, proximal, and ophthalmoplegia (CMYO6). Also called: MYOPATHY WITH CONGENITAL JOINT CONTRACTURES, OPHTHALMOPLEGIA, AND RIMMED VACUOLES; INCLUSION BODY MYOPATHY 3, AUTOSOMAL DOMINANT; CONGENITAL MYOPATHY 6 WITH OPHTHALMOPLEGIA. Identifiers: Orphanet 363677, Orphanet 79091, MedGen C1854106, MONDO:0011577, OMIM 605637.

Submission:

Labcorp Genetics (formerly Invitae), Labcorp
Classification: Uncertain significance for Myopathy, proximal, and ophthalmoplegia. Last evaluated: 2023-09-20. Review status: criteria provided, single submitter. Criteria: Invitae Variant Classification Sherloc (09022015). Collection method: clinical testing. Allele origin: germline.
Comment: This sequence change replaces alanine, which is neutral and non-polar, with glycine, which is neutral and non-polar, at codon 907 of the MYH2 protein (p.Ala907Gly). This variant is not present in population databases (gnomAD no frequency). This variant has not been reported in the literature in individuals affected with MYH2-related conditions. Advanced modeling of protein sequence and biophysical properties (such as structural, functional, and spatial information, amino acid conservation, physicochemical variation, residue mobility, and thermodynamic stability) has been performed at Invitae for this missense variant, however the output from this modeling did not meet the statistical confidence thresholds required to predict the impact of this variant on MYH2 protein function. In summary, the available evidence is currently insufficient to determine the role of this variant in disease. Therefore, it has been classified as a Variant of Uncertain Significance.

NM_017534.6(MYH2):c.2720C>G (p.Ala907Gly)

Genes: MYH2 (myosin heavy chain 2; minus strand), MYHAS (myosin heavy chain gene cluster antisense RNA; plus strand). Cytogenetic location: 17p13.1.
Variant type: single nucleotide variant.
Coding change: c.2720C>G on transcript NM_017534.6 (MANE Select); coding-DNA position 2720, C replaced by G.
Protein change: p.Ala907Gly; replaces alanine 907 with glycine.
Molecular consequence: missense variant.
Genome position (GRCh38, 1-based): chr17:10,530,052, G>C on the plus strand (C>G on the coding strand, the complement: MYH2 is on the minus strand). VCF-style: chr17-10530052-G-C. GRCh37 (hg19) VCF-style: chr17-10433369-G-C.
Other names: c.2720C>G, p.Ala907Gly (NM_001100112.2); short protein forms A907G.
Identifiers: ClinVar variation 2762025 (VCV002762025.3), dbSNP rs2508433531, ClinGen allele CA398143369.